The following is an entry in ClinVar:

ClinVar aggregate classification (germline): Uncertain significance. Review status: criteria provided, multiple submitters, no conflicts (2 of 4 stars). 2 submissions from 2 submitters: Uncertain significance (2). Last evaluated 2022-07-19.

Conditions:
X-linked intellectual disability, Cantagrel type (XLID98). Also called: INTELLECTUAL DEVELOPMENTAL DISORDER, X-LINKED 98. Identifiers: Orphanet 85277, MedGen C3806730, MONDO:0010483, OMIM 300912.

Allele frequency attached by ClinVar (database versions not stated): TOPMed below 0.00001; ExAC 0.00001; gnomAD exomes 0.00001 and 0.00003.
gnomAD v4.1: 16 of 1,211,083 alleles (0.0013%); highest among the groups gnomAD compares: Admixed American, 0.0043%; no homozygotes.

Submissions (2):

Labcorp Genetics (formerly Invitae), Labcorp
Classification: Uncertain significance. Last evaluated: 2022-07-19. Review status: criteria provided, single submitter. Criteria: Invitae Variant Classification Sherloc (09022015). Collection method: clinical testing. Allele origin: germline.
Comment: In summary, the available evidence is currently insufficient to determine the role of this variant in disease. Therefore, it has been classified as a Variant of Uncertain Significance. Algorithms developed to predict the effect of missense changes on protein structure and function are either unavailable or do not agree on the potential impact of this missense change (SIFT: "Deleterious"; PolyPhen-2: "Benign"; Align-GVGD: "Class C15"). ClinVar contains an entry for this variant (Variation ID: 541119). This variant has not been reported in the literature in individuals affected with NEXMIF-related conditions. This variant is present in population databases (rs762464608, gnomAD 0.008%), including at least one homozygous and/or hemizygous individual. This sequence change replaces serine, which is neutral and polar, with arginine, which is basic and polar, at codon 747 of the NEXMIF protein (p.Ser747Arg).

Fulgent Genetics
Classification: Uncertain significance for X-linked intellectual disability, Cantagrel type. Last evaluated: 2021-11-15. Review status: criteria provided, single submitter. Criteria: ACMG Guidelines, 2015. Collection method: clinical testing. Allele origin: unknown.

NM_001008537.3(NEXMIF):c.2241C>A (p.Ser747Arg)

Gene: NEXMIF (neurite extension and migration factor; minus strand). Cytogenetic location: Xq13.3.
Variant type: single nucleotide variant.
Coding change: c.2241C>A on transcript NM_001008537.3 (MANE Select); coding-DNA position 2241, C replaced by A.
Protein change: p.Ser747Arg; replaces serine 747 with arginine.
Molecular consequence: missense variant.
Genome position (GRCh38, 1-based): chrX:74,742,316, G>T on the plus strand (C>A on the coding strand, the complement: NEXMIF is on the minus strand). VCF-style: chrX-74742316-G-T. GRCh37 (hg19) VCF-style: chrX-73962151-G-T.
Other names: short protein forms S747R.
Identifiers: ClinVar variation 541119 (VCV000541119.12), dbSNP rs762464608, ClinGen allele CA10455064.